The following is an entry in ClinVar:

ClinVar aggregate classification (germline): Conflicting classifications of pathogenicity. Review status: criteria provided, conflicting classifications (1 of 4 stars). 7 submissions from 7 submitters: Uncertain significance (1); Likely benign (6). Last evaluated 2025-07-15.

Conditions:
TTN-related disorder. Also called: TTN-related condition; TTN-related disease; TTN-related disorders.
Cardiovascular phenotype. Identifiers: MedGen CN230736.
Autosomal recessive limb-girdle muscular dystrophy type 2J (LGMDR10). Also called: Limb-girdle muscular dystrophy, type 2J; MUSCULAR DYSTROPHY, LIMB-GIRDLE, AUTOSOMAL RECESSIVE 10. Identifiers: Orphanet 140922, MedGen C1837342, MONDO:0012127, OMIM 608807.
Dilated cardiomyopathy 1G (CMD1G). Identifiers: Orphanet 154, MedGen C1858763, MONDO:0011400, OMIM 604145.

Allele frequency attached by ClinVar (database versions not stated): gnomAD exomes 0.00001 and 0.00002; ExAC 0.00002; gnomAD 0.00007 and 0.00009; TOPMed 0.00009.
gnomAD v4.1: 19 of 1,613,446 alleles (0.0012%); highest among the groups gnomAD compares: African/African-American, 0.025%; no homozygotes.

Submissions (7):

PreventionGenetics, part of Exact Sciences
Classification: Likely benign for TTN-related condition. Last evaluated: 2025-07-15. Review status: criteria provided, single submitter. Criteria: ACMG Guidelines, 2015. Collection method: clinical testing. Allele origin: germline.
Comment: This variant is classified as likely benign based on ACMG/AMP sequence variant interpretation guidelines (Richards et al. 2015 PMID: 25741868, with internal and published modifications).

Mayo Clinic Laboratories, Mayo Clinic
Classification: Likely benign. Last evaluated: 2025-03-19. Review status: criteria provided, single submitter. Criteria: ACMG Guidelines, 2015. Collection method: clinical testing. Allele origin: germline. Observed: 1 variant allele.
Comment: BP4, BP7

Women's Health and Genetics/Laboratory Corporation of America, LabCorp
Classification: Likely benign. Last evaluated: 2023-06-10. Review status: criteria provided, single submitter. Criteria: LabCorp Variant Classification Summary - May 2015. Collection method: clinical testing. Allele origin: germline.

Labcorp Genetics (formerly Invitae), Labcorp
Classification: Uncertain significance for Dilated cardiomyopathy 1G; Autosomal recessive limb-girdle muscular dystrophy type 2J. Last evaluated: 2021-03-28. Review status: criteria provided, single submitter. Criteria: Invitae Variant Classification Sherloc (09022015). Collection method: clinical testing. Allele origin: germline.
Comment: This sequence change affects codon 34795 of the TTN mRNA. It is a 'silent' change, meaning that it does not change the encoded amino acid sequence of the TTN protein. This variant is present in population databases (rs397517790, ExAC 0.03%). This variant is located in the M band of TTN (PMID: 25589632). Variants in this region may be relevant for neuromuscular disorders, but have not been definitively shown to cause cardiomyopathy (PMID: 23975875). This variant has not been reported in the literature in individuals with TTN-related conditions. ClinVar contains an entry for this variant (Variation ID: 47671). Algorithms developed to predict the effect of missense changes on protein structure and function are unavailable for the TTN gene. In summary, the available evidence is currently insufficient to determine the role of this variant in disease. Therefore, it has been classified as a Variant of Uncertain Significance.

Ambry Genetics
Classification: Likely benign for Cardiovascular phenotype. Last evaluated: 2019-02-08. Review status: criteria provided, single submitter. Criteria: Ambry Variant Classification Scheme 2023. Collection method: clinical testing. Allele origin: germline.

GeneDx
Classification: Likely benign. Last evaluated: 2017-12-19. Review status: criteria provided, single submitter. Criteria: GeneDx Variant Classification (06012015). Collection method: clinical testing. Allele origin: germline. Affected: yes.
Comment: This variant is considered likely benign or benign based on one or more of the following criteria: it is a conservative change, it occurs at a poorly conserved position in the protein, it is predicted to be benign by multiple in silico algorithms, and/or has population frequency not consistent with disease.

Laboratory for Molecular Medicine, Mass General Brigham Personalized Medicine
Classification: Likely benign. Last evaluated: 2017-08-10. Review status: criteria provided, single submitter. Criteria: LMM Criteria. Collection method: clinical testing. Allele origin: germline. Observed: 2 variant alleles.
Comment: p.Lys32227Lys in exon 307 of TTN: This variant is not expected to have clinical significance because it does not alter an amino acid residue and is not located within the splice consensus sequence. It has been identified in 5/24002 African chromosomes by the Genome Aggregation Database (gnomAD; dbSNP rs397517790).

Literature cited by the submitters: PubMed 25589632 (cited by Labcorp Genetics (formerly Invitae), Labcorp); PubMed 23975875 (cited by Labcorp Genetics (formerly Invitae), Labcorp).

NM_001267550.2(TTN):c.104385G>A (p.Lys34795=)

Genes: TTN (titin; minus strand), TTN-AS1 (TTN antisense RNA 1; plus strand). Cytogenetic location: 2q31.2.
Variant type: single nucleotide variant.
Coding change: c.104385G>A on transcript NM_001267550.2 (MANE Select); coding-DNA position 104385, G replaced by A.
Protein change: p.Lys34795=; no amino-acid change (lysine 34795 retained).
Molecular consequence: synonymous variant.
Genome position (GRCh38, 1-based): chr2:178,532,230, C>T on the plus strand (G>A on the coding strand, the complement: TTN is on the minus strand). VCF-style: chr2-178532230-C-T. GRCh37 (hg19) VCF-style: chr2-179396957-C-T.
Other names: p.Lys33154=; c.99462G>A, p.Lys33154= (NM_001256850.1); c.96681G>A, p.Lys32227= (NM_133378.4); c.77190G>A, p.Lys25730= (NM_003319.4); c.77565G>A, p.Lys25855= (NM_133432.3); c.77766G>A, p.Lys25922= (NM_133437.4).
Identifiers: ClinVar variation 47671 (VCV000047671.11), dbSNP rs397517790, ClinGen allele CA141670.